The following is an entry in ClinVar:

ClinVar aggregate classification (germline): Likely benign (1 of 4 stars; one submission).

Allele frequency attached by ClinVar (database versions not stated): gnomAD 0.00001; gnomAD exomes 0.00001; ExAC 0.00002; TOPMed 0.00002; ESP Exome Variant Server 0.00008.
gnomAD v4.1: 8 of 1,613,676 alleles (0.0005%); highest among the groups gnomAD compares: East Asian, 0.0022%; no homozygotes.

Submission:

Women's Health and Genetics/Laboratory Corporation of America, LabCorp
Classification: Likely benign. Last evaluated: 2023-10-05. Review status: criteria provided, single submitter. Criteria: LabCorp Variant Classification Summary - May 2015. Collection method: clinical testing. Allele origin: germline.
Comment: Variant summary: CDC42BPB c.4592-17G>A alters a non-conserved nucleotide located at a position not widely known to affect splicing. Consensus agreement among computation tools predict no significant impact on normal splicing. However, these predictions have yet to be confirmed by functional studies. The variant allele was found at a frequency of 1.2e-05 in 250932 control chromosomes (gnomAD). The available data on variant occurrences in the general population are insufficient to allow any conclusion about variant significance. To our knowledge, no occurrence of c.4592-17G>A in individuals affected with Chilton-Okur Neurodevelopmental Syndrome and no experimental evidence demonstrating its impact on protein function have been reported. No submitters have cited clinical-significance assessments for this variant to ClinVar after 2014. Based on the evidence outlined above, the variant was classified as likely benign.

NM_006035.4(CDC42BPB):c.4592-17G>A

Gene: CDC42BPB (CDC42 binding protein kinase beta; minus strand). Cytogenetic location: 14q32.32.
Variant type: single nucleotide variant.
Coding change: c.4592-17G>A on transcript NM_006035.4 (MANE Select); 17 bases into the intron before coding-DNA position 4592, G replaced by A.
Molecular consequence: intron variant.
Genome position (GRCh38, 1-based): chr14:102,939,964, C>T on the plus strand (G>A on the coding strand, the complement: CDC42BPB is on the minus strand). VCF-style: chr14-102939964-C-T. GRCh37 (hg19) VCF-style: chr14-103406301-C-T.
Other names: c.4514-17G>A (NM_001411054.1).
Identifiers: ClinVar variation 2637607 (VCV002637607.1), dbSNP rs369556425, ClinGen allele CA7360373.